The following is an entry in ClinVar:

NM_000327.4(ROM1):c.8C>T (p.Pro3Leu)

Gene: ROM1 (retinal outer segment membrane protein 1; plus strand). Cytogenetic location: 11q12.3.
Variant type: single nucleotide variant.
Coding change: c.8C>T on transcript NM_000327.4 (MANE Select); coding-DNA position 8, C replaced by T.
Protein change: p.Pro3Leu; replaces proline 3 with leucine.
Molecular consequence: missense variant.
Genome position (GRCh38, 1-based): chr11:62,613,289, C>T. VCF-style: chr11-62613289-C-T. GRCh37 (hg19) VCF-style: chr11-62380761-C-T.
Other names: c.8C>T (NM_000327.3); short protein forms P3L.
Identifiers: ClinVar variation 1481775 (VCV001481775.10), dbSNP rs779471039, ClinGen allele CA6049626.

ClinVar aggregate classification (germline): Uncertain significance. Review status: criteria provided, multiple submitters, no conflicts (2 of 4 stars). 3 submissions from 3 submitters: Uncertain significance (3). Last evaluated 2025-06-12.

Allele frequency attached by ClinVar (database versions not stated): ExAC 0.00018.
gnomAD v4.1: 71 of 1,603,630 alleles (0.0044%); highest among the groups gnomAD compares: Non-Finnish European, 0.0048%; no homozygotes.

Submissions (3):

Labcorp Genetics (formerly Invitae), Labcorp
Classification: Uncertain significance. Last evaluated: 2025-06-12. Review status: criteria provided, single submitter. Criteria: Invitae Variant Classification Sherloc (09022015). Collection method: clinical testing. Allele origin: germline.
Comment: This sequence change replaces proline, which is neutral and non-polar, with leucine, which is neutral and non-polar, at codon 3 of the ROM1 protein (p.Pro3Leu). This variant is present in population databases (rs779471039, gnomAD 0.01%). This variant has not been reported in the literature in individuals affected with ROM1-related conditions. ClinVar contains an entry for this variant (Variation ID: 1481775). Invitae Evidence Modeling of protein sequence and biophysical properties (such as structural, functional, and spatial information, amino acid conservation, physicochemical variation, residue mobility, and thermodynamic stability) indicates that this missense variant is not expected to disrupt ROM1 protein function with a negative predictive value of 80%. In summary, the available evidence is currently insufficient to determine the role of this variant in disease. Therefore, it has been classified as a Variant of Uncertain Significance.

Ambry Genetics
Classification: Uncertain significance. Last evaluated: 2025-01-28. Review status: criteria provided, single submitter. Criteria: Ambry Variant Classification Scheme 2023. Collection method: clinical testing. Allele origin: germline.

Blueprint Genetics
Classification: Uncertain significance. Last evaluated: 2024-01-29. Review status: criteria provided, single submitter. Criteria: ACMG Guidelines, 2015. Collection method: clinical testing. Allele origin: germline.